The following is an entry in ClinVar:

NM_017780.4(CHD7):c.3284G>A (p.Arg1095Gln)

Gene: CHD7 (chromodomain helicase DNA binding protein 7; plus strand). Cytogenetic location: 8q12.2.
Variant type: single nucleotide variant.
Coding change: c.3284G>A on transcript NM_017780.4 (MANE Select); coding-DNA position 3284, G replaced by A.
Protein change: p.Arg1095Gln; replaces arginine 1095 with glutamine.
Molecular consequence: missense variant. On other transcripts: intron variant (1).
Genome position (GRCh38, 1-based): chr8:60,823,922, G>A. VCF-style: chr8-60823922-G-A. GRCh37 (hg19) VCF-style: chr8-61736481-G-A.
Other names: c.1717-38307G>A (NM_001316690.1); short protein forms R1095Q.
Identifiers: ClinVar variation 3709516 (VCV003709516.2).

ClinVar aggregate classification (germline): Uncertain significance (1 of 4 stars; one submission).

Conditions:
CHARGE syndrome (CHARGE). Also called: Hittner Hirsch Kreh syndrome; CHARGE ASSOCIATION--COLOBOMA, HEART ANOMALY, CHOANAL ATRESIA, RETARDATION, GENITAL AND EAR ANOMALIES; Coloboma, heart anomaly, choanal atresia, retardation, genital and ear anomalies; CHARGE association; Hall-Hittner syndrome. Identifiers: Orphanet 138, MedGen C0265354, MONDO:0008965.

gnomAD v4.1: 3 of 1,613,854 alleles (0.00019%); highest among the groups gnomAD compares: Non-Finnish European, 0.00025%; no homozygotes.

Submission:

Labcorp Genetics (formerly Invitae), Labcorp
Classification: Uncertain significance for CHARGE syndrome. Last evaluated: 2024-04-04. Review status: criteria provided, single submitter. Criteria: Invitae Variant Classification Sherloc (09022015). Collection method: clinical testing. Allele origin: germline.
Comment: This sequence change replaces arginine, which is basic and polar, with glutamine, which is neutral and polar, at codon 1095 of the CHD7 protein (p.Arg1095Gln). This variant is not present in population databases (gnomAD no frequency). This missense change has been observed in individual(s) with idiopathic hypogonadotropic hypogonadism (PMID: 31689711). Advanced modeling of protein sequence and biophysical properties (such as structural, functional, and spatial information, amino acid conservation, physicochemical variation, residue mobility, and thermodynamic stability) has been performed at Invitae for this missense variant, however the output from this modeling did not meet the statistical confidence thresholds required to predict the impact of this variant on CHD7 protein function. In summary, the available evidence is currently insufficient to determine the role of this variant in disease. Therefore, it has been classified as a Variant of Uncertain Significance.

Literature cited by the submitters: PubMed 31689711.